The following is an entry in ClinVar:

NM_153006.3(NAGS):c.1274A>G (p.Asn425Ser)

Gene: NAGS (N-acetylglutamate synthase; plus strand). Cytogenetic location: 17q21.31.
Variant type: single nucleotide variant.
Coding change: c.1274A>G on transcript NM_153006.3 (MANE Select); coding-DNA position 1274, A replaced by G.
Protein change: p.Asn425Ser; replaces asparagine 425 with serine.
Molecular consequence: missense variant.
Genome position (GRCh38, 1-based): chr17:44,007,596, A>G. VCF-style: chr17-44007596-A-G. GRCh37 (hg19) VCF-style: chr17-42084964-A-G.
Other names: short protein forms N425S.
Identifiers: ClinVar variation 971792 (VCV000971792.8), dbSNP rs752635329, ClinGen allele CA8595368.

ClinVar aggregate classification (germline): Uncertain significance. Review status: criteria provided, multiple submitters, no conflicts (2 of 4 stars). 3 submissions from 3 submitters: Uncertain significance (2). 1 of the submissions does not count toward it. Last evaluated 2025-06-18.

Conditions:
Inborn genetic diseases. Identifiers: MedGen C0950123, MeSH D030342.
Hyperammonemia, type III (NAGSD). Also called: Hyperammonemia due to N-acetylglutamate synthase deficiency. Identifiers: Orphanet 927, MedGen C0268543, MONDO:0009377, OMIM 237310.

Allele frequency attached by ClinVar (database versions not stated): gnomAD exomes 0.00005 and 0.00016; gnomAD 0.00008 and 0.00009; TOPMed 0.00008; ExAC 0.00010.
gnomAD v4.1: 235 of 1,608,962 alleles (0.015%); highest among the groups gnomAD compares: Non-Finnish European, 0.019%; no homozygotes.

Submissions (3):

Ambry Genetics
Classification: Uncertain significance for Inborn genetic diseases. Last evaluated: 2025-06-18. Review status: criteria provided, single submitter. Criteria: Ambry Variant Classification Scheme 2023. Collection method: clinical testing. Allele origin: germline.

Labcorp Genetics (formerly Invitae), Labcorp
Classification: Uncertain significance for Hyperammonemia, type III. Last evaluated: 2022-04-04. Review status: criteria provided, single submitter. Criteria: Invitae Variant Classification Sherloc (09022015). Collection method: clinical testing. Allele origin: germline.
Comment: This sequence change replaces asparagine, which is neutral and polar, with serine, which is neutral and polar, at codon 425 of the NAGS protein (p.Asn425Ser). This variant is present in population databases (rs752635329, gnomAD 0.01%). This variant has not been reported in the literature in individuals affected with NAGS-related conditions. ClinVar contains an entry for this variant (Variation ID: 971792). Algorithms developed to predict the effect of missense changes on protein structure and function (SIFT, PolyPhen-2, Align-GVGD) all suggest that this variant is likely to be tolerated. Algorithms developed to predict the effect of sequence changes on RNA splicing suggest that this variant may create or strengthen a splice site. In summary, the available evidence is currently insufficient to determine the role of this variant in disease. Therefore, it has been classified as a Variant of Uncertain Significance.

Natera, Inc.
Classification: Uncertain significance for Hyperammonemia type III. Last evaluated: 2020-06-05. Review status: no assertion criteria provided. Collection method: clinical testing. Allele origin: germline. Not counted in ClinVar's aggregate classification.